The following is an entry in ClinVar:

ClinVar aggregate classification (germline): Uncertain significance. Review status: criteria provided, multiple submitters, no conflicts (2 of 4 stars). 2 submissions from 2 submitters: Uncertain significance (2). Last evaluated 2025-11-02.

Conditions:
Familial adenomatous polyposis 1 (FAP1). Also called: FAMILIAL ADENOMATOUS POLYPOSIS 1, ATTENUATED; POLYPOSIS, ADENOMATOUS INTESTINAL. Identifiers: MedGen C2713442, MONDO:0021056, OMIM 175100. Disease mechanism: loss of function.
Hereditary cancer-predisposing syndrome. Also called: Hereditary Cancer Syndrome; Neoplastic Syndromes, Hereditary; Tumor predisposition; Hereditary neoplastic syndrome. Identifiers: Orphanet 140162, MedGen C0027672, MeSH D009386, MONDO:0015356.

Submissions (2):

Ambry Genetics
Classification: Uncertain significance for Hereditary cancer-predisposing syndrome. Last evaluated: 2025-11-02. Review status: criteria provided, single submitter. Criteria: Ambry Variant Classification Scheme 2023. Collection method: clinical testing. Allele origin: germline.
Comment: The p.P2222A variant (also known as c.6664C>G), located in coding exon 15 of the APC gene, results from a C to G substitution at nucleotide position 6664. The proline at codon 2222 is replaced by alanine, an amino acid with highly similar properties. This amino acid position is conserved. In addition, in silico predictors for this gene do not accurately predict pathogenicity. Based on the available evidence, the clinical significance of this variant remains unclear.

Labcorp Genetics (formerly Invitae), Labcorp
Classification: Uncertain significance for Familial adenomatous polyposis 1. Last evaluated: 2024-05-06. Review status: criteria provided, single submitter. Criteria: Invitae Variant Classification Sherloc (09022015). Collection method: clinical testing. Allele origin: germline.
Comment: This sequence change replaces proline, which is neutral and non-polar, with alanine, which is neutral and non-polar, at codon 2222 of the APC protein (p.Pro2222Ala). This variant is not present in population databases (gnomAD no frequency). This variant has not been reported in the literature in individuals affected with APC-related conditions. Advanced modeling of protein sequence and biophysical properties (such as structural, functional, and spatial information, amino acid conservation, physicochemical variation, residue mobility, and thermodynamic stability) performed at Invitae indicates that this missense variant is not expected to disrupt APC protein function with a negative predictive value of 95%. In summary, the available evidence is currently insufficient to determine the role of this variant in disease. Therefore, it has been classified as a Variant of Uncertain Significance.

NM_000038.6(APC):c.6664C>G (p.Pro2222Ala)

Gene: APC (APC regulator of Wnt signaling pathway; plus strand). Cytogenetic location: 5q22.2.
Variant type: single nucleotide variant.
Coding change: c.6664C>G on transcript NM_000038.6 (MANE Select); coding-DNA position 6664, C replaced by G.
Protein change: p.Pro2222Ala; replaces proline 2222 with alanine.
Molecular consequence: missense variant. On other transcripts: non-coding transcript variant (2).
Genome position (GRCh38, 1-based): chr5:112,842,258, C>G. VCF-style: chr5-112842258-C-G. GRCh37 (hg19) VCF-style: chr5-112177955-C-G.
Other names: c.6664C>G, p.Pro2222Ala (NM_001127510.3, NM_001354895.2, NM_001407450.1); c.6610C>G, p.Pro2204Ala (NM_001127511.3); c.6718C>G, p.Pro2240Ala (NM_001354896.2, NM_001407447.1, NM_001407448.1 and 1 more transcripts); c.6694C>G, p.Pro2232Ala (NM_001354897.2); c.6589C>G, p.Pro2197Ala (NM_001354898.2); c.6580C>G, p.Pro2194Ala (NM_001354899.2); c.6541C>G, p.Pro2181Ala (NM_001354900.2); c.6487C>G, p.Pro2163Ala (NM_001354901.2, NM_001407453.1); and 12 more; short protein forms P1838A, P1939A, P2062A, P2093A, P2096A, P2121A, P2131A, P2139A.
Identifiers: ClinVar variation 3612969 (VCV003612969.3).